The following is an entry in ClinVar:

ClinVar aggregate classification (germline): Uncertain significance. Review status: criteria provided, multiple submitters, no conflicts (2 of 4 stars). 6 submissions from 6 submitters: Uncertain significance (6). Last evaluated 2026-08-28.

Conditions:
Hypertrophic cardiomyopathy 26. Also called: Cardiomyopathy, familial hypertrophic, 26. Identifiers: Orphanet 75249, MedGen C4310749, MONDO:0014883, OMIM 617047.
Distal myopathy with posterior leg and anterior hand involvement. Also called: WILLIAMS DISTAL MYOPATHY. Identifiers: Orphanet 63273, MedGen C3279722, MONDO:0013550, OMIM 614065.
Myofibrillar myopathy 5. Also called: FILAMINOPATHY, AUTOSOMAL DOMINANT; Filaminopathy (type). Identifiers: Orphanet 171445, MedGen C1836050, MONDO:0012289, OMIM 609524.
FLNC-related disorder. Also called: FLNC-related condition; FLNC-related disorders.
Cardiovascular phenotype. Identifiers: MedGen CN230736.

Allele frequency attached by ClinVar (database versions not stated): gnomAD exomes below 0.00001; gnomAD 0.00005; TOPMed 0.00006.
gnomAD v4.1: 8 of 1,614,134 alleles (0.0005%); highest among the groups gnomAD compares: African/African-American, 0.0093%; no homozygotes.

Submissions (6):

PreventionGenetics, part of Exact Sciences
Classification: Uncertain significance for FLNC-related condition. Last evaluated: 2026-08-28. Review status: criteria provided, single submitter. Criteria: ACMG Guidelines, 2015. Collection method: clinical testing. Allele origin: germline.
Comment: The FLNC c.4222G>A variant is predicted to result in the amino acid substitution p.Glu1408Lys. To our knowledge, this variant has not been reported in the literature. This variant is reported in 0.0041% of alleles in individuals of African descent in gnomAD. At this time, the clinical significance of this variant is uncertain due to the absence of conclusive functional and genetic evidence.

Labcorp Genetics (formerly Invitae), Labcorp
Classification: Uncertain significance for Distal myopathy with posterior leg and anterior hand involvement; Myofibrillar myopathy 5; Hypertrophic cardiomyopathy 26. Last evaluated: 2026-01-25. Review status: criteria provided, single submitter. Criteria: Invitae Variant Classification Sherloc (09022015). Collection method: clinical testing. Allele origin: germline.
Comment: This sequence change replaces glutamic acid, which is acidic and polar, with lysine, which is basic and polar, at codon 1408 of the FLNC protein (p.Glu1408Lys). This variant is present in population databases (no rsID available, gnomAD 0.004%). This variant has not been reported in the literature in individuals affected with FLNC-related conditions. ClinVar contains an entry for this variant (Variation ID: 856144). Invitae Evidence Modeling of protein sequence and biophysical properties (such as structural, functional, and spatial information, amino acid conservation, physicochemical variation, residue mobility, and thermodynamic stability) has been performed for this missense variant. However, the output from this modeling did not meet the statistical confidence thresholds required to predict the impact of this variant on FLNC protein function. In summary, the available evidence is currently insufficient to determine the role of this variant in disease. Therefore, it has been classified as a Variant of Uncertain Significance.

Ambry Genetics
Classification: Uncertain significance for Cardiovascular phenotype. Last evaluated: 2025-03-05. Review status: criteria provided, single submitter. Criteria: Ambry Variant Classification Scheme 2023. Collection method: clinical testing. Allele origin: germline.
Comment: The p.E1408K variant (also known as c.4222G>A), located in coding exon 24 of the FLNC gene, results from a G to A substitution at nucleotide position 4222. The glutamic acid at codon 1408 is replaced by lysine, an amino acid with similar properties. This amino acid position is highly conserved in available vertebrate species. In addition, this alteration is predicted to be deleterious by in silico analysis. Since supporting evidence is limited at this time, the clinical significance of this alteration remains unclear.

GeneDx
Classification: Uncertain significance. Last evaluated: 2024-03-19. Review status: criteria provided, single submitter. Criteria: GeneDx Variant Classification Process June 2021. Collection method: clinical testing. Allele origin: germline. Affected: yes.
Comment: Has not been previously published as pathogenic or benign to our knowledge; In silico analysis supports that this missense variant has a deleterious effect on protein structure/function

Athena Diagnostics
Classification: Uncertain significance. Last evaluated: 2020-03-19. Review status: criteria provided, single submitter. Criteria: Athena Diagnostics Criteria. Collection method: clinical testing. Allele origin: unknown.

Revvity Omics, Revvity
Classification: Uncertain significance. Last evaluated: 2020-02-28. Review status: criteria provided, single submitter. Criteria: ACMG Guidelines, 2015. Collection method: clinical testing. Allele origin: germline.

NM_001458.5(FLNC):c.4222G>A (p.Glu1408Lys)

Gene: FLNC (filamin C; plus strand). Cytogenetic location: 7q32.1.
Variant type: single nucleotide variant.
Coding change: c.4222G>A on transcript NM_001458.5 (MANE Select); coding-DNA position 4222, G replaced by A.
Protein change: p.Glu1408Lys; replaces glutamic acid 1408 with lysine.
Molecular consequence: missense variant.
Genome position (GRCh38, 1-based): chr7:128,846,839, G>A. VCF-style: chr7-128846839-G-A. GRCh37 (hg19) VCF-style: chr7-128486893-G-A.
Other names: c.4222G>A, p.Glu1408Lys (NM_001127487.2); short protein forms E1408K.
Identifiers: ClinVar variation 856144 (VCV000856144.22), dbSNP rs965589915, ClinGen allele CA166181985.
Genomic context (GRCh38, chr7:128,846,839, plus strand): 5'-GAGGGTCCCTCGGAAGCCAAGATGTCCTGCAAGGACAACAAGGATGGTAGCTGCACCGTG[G>A]AGTACATCCCCTTCACTCCTGGAGACTATGACGTCAACATCACCTTCGGGGGGCGGCCCA-3'
Protein context (NP_001449.3, residues 1398-1418): KDNKDGSCTV[Glu1408Lys]YIPFTPGDYD